The following is an entry in ClinVar:

ClinVar aggregate classification (germline): Uncertain significance (1 of 4 stars; one submission).

Submission:

Dasa
Classification: Uncertain significance. Last evaluated: 2025-10-31. Review status: criteria provided, single submitter. Criteria: DASA Assertion Criteria. Collection method: clinical testing. Allele origin: germline.
Comment: NM_001457.4(FLNB):c.1849G>T (p.Ala617Ser) is a missense variant that results in the substitution of alanine with serine. This variant is absent from population databases. The currently available literature and clinical evidence are not sufficient to establish a definitive association between this variant and the reported condition. Therefore, this variant is classified as a variant of uncertain significance.

NM_001457.4(FLNB):c.1849G>T (p.Ala617Ser)

Gene: FLNB (filamin B; plus strand). Cytogenetic location: 3p14.3.
Variant type: single nucleotide variant.
Coding change: c.1849G>T on transcript NM_001457.4 (MANE Select); coding-DNA position 1849, G replaced by T.
Protein change: p.Ala617Ser; replaces alanine 617 with serine.
Molecular consequence: missense variant.
Genome position (GRCh38, 1-based): chr3:58,106,781, G>T. VCF-style: chr3-58106781-G-T. GRCh37 (hg19) VCF-style: chr3-58092508-G-T.
Other names: c.1849G>T, p.Ala617Ser (NM_001164317.2, NM_001164318.2, NM_001164319.2); short protein forms A617S.
Identifiers: ClinVar variation 4885405 (VCV004885405.2).